The following is an entry in ClinVar:

ClinVar aggregate classification (germline): Uncertain significance (1 of 4 stars; one submission).

Conditions:
Familial colorectal cancer. Identifiers: MedGen CN280943, MONDO:0023113. Disease mechanism: loss of function.

Submission:

Labcorp Genetics (formerly Invitae), Labcorp
Classification: Uncertain significance for Familial colorectal cancer. Last evaluated: 2022-10-23. Review status: criteria provided, single submitter. Criteria: Invitae Variant Classification Sherloc (09022015). Collection method: clinical testing. Allele origin: germline.
Comment: This variant results in a copy number gain of the genomic region encompassing the promoter of the GREM1 gene. The precise boundaries of this event are unknown. Two different tandem duplications (40 kb and 16 kb) spanning the 3' end of the SCG5 gene and the region upstream of the GREM1 gene have been reported in families with hereditary mixed polyposis syndrome (PMID: 22561515, 25992589, 26493165). However, the gain identified in this individual is different from those variants, and therefore the impact of the additional duplicated sequences on GREM1 expression and function has not been established. In summary, the available evidence is currently insufficient to determine the role of this variant in disease. Therefore, it has been classified as a Variant of Uncertain Significance.

Literature cited by the submitters: PubMed 22561515; PubMed 25992589; PubMed 26493165.

NC_000015.9:g.(?_32983891)_(33023446_?)dup

Genes: GREM1 (gremlin 1, DAN family BMP antagonist; plus strand), SCG5 (secretogranin V; plus strand). Cytogenetic location: 15q13.3.
Variant type: Duplication.
Identifiers: ClinVar variation 2425857 (VCV002425857.3).